The following is an entry in ClinVar:

NM_005591.4(MRE11):c.1822T>C (p.Ser608Pro)

Gene: MRE11 (MRE11 double strand break repair nuclease; minus strand). Cytogenetic location: 11q21.
Variant type: single nucleotide variant.
Coding change: c.1822T>C on transcript NM_005591.4 (MANE Select); coding-DNA position 1822, T replaced by C.
Protein change: p.Ser608Pro; replaces serine 608 with proline.
Molecular consequence: missense variant. On other transcripts: intron variant (1).
Genome position (GRCh38, 1-based): chr11:94,445,855, A>G on the plus strand (T>C on the coding strand, the complement: MRE11 is on the minus strand). VCF-style: chr11-94445855-A-G. GRCh37 (hg19) VCF-style: chr11-94179021-A-G.
Other names: c.1819T>C, p.Ser607Pro (NM_001330347.2); c.1783+1364T>C (NM_005590.4); short protein forms S608P, S607P.
Identifiers: ClinVar variation 2451364 (VCV002451364.2), dbSNP rs770184763, ClinGen allele CA382366669.

ClinVar aggregate classification (germline): Uncertain significance (1 of 4 stars; one submission).

Conditions:
Hereditary cancer-predisposing syndrome. Also called: Neoplastic Syndromes, Hereditary; Tumor predisposition; Hereditary neoplastic syndrome; Hereditary Cancer Syndrome. Identifiers: Orphanet 140162, MedGen C0027672, MeSH D009386, MONDO:0015356.

Submission:

Ambry Genetics
Classification: Uncertain significance for Hereditary cancer-predisposing syndrome. Last evaluated: 2022-12-26. Review status: criteria provided, single submitter. Criteria: Ambry Variant Classification Scheme 2023. Collection method: clinical testing. Allele origin: germline.
Comment: The p.S608P variant (also known as c.1822T>C), located in coding exon 15 of the MRE11A gene, results from a T to C substitution at nucleotide position 1822. The serine at codon 608 is replaced by proline, an amino acid with similar properties. This amino acid position is conserved. In addition, the in silico prediction for this alteration is inconclusive. Since supporting evidence is limited at this time, the clinical significance of this alteration remains unclear.